The following is an entry in ClinVar:

ClinVar aggregate classification (germline): Uncertain significance (1 of 4 stars; one submission).

Submission:

GeneDx
Classification: Uncertain significance. Last evaluated: 2020-07-29. Review status: criteria provided, single submitter. Criteria: GeneDx Variant Classification Process June 2021. Collection method: clinical testing. Allele origin: germline. Affected: yes.
Comment: Not observed in large population cohorts (Lek et al., 2016); In silico analysis, which includes protein predictors and evolutionary conservation, supports that this variant does not alter protein structure/function; Has not been previously published as pathogenic or benign to our knowledge

NM_199334.5(THRA):c.1047C>G (p.Phe349Leu)

Gene: THRA (thyroid hormone receptor alpha; plus strand). Cytogenetic location: 17q21.1.
Variant type: single nucleotide variant.
Coding change: c.1047C>G on transcript NM_199334.5 (MANE Select); coding-DNA position 1047, C replaced by G.
Protein change: p.Phe349Leu; replaces phenylalanine 349 with leucine.
Molecular consequence: missense variant.
Genome position (GRCh38, 1-based): chr17:40,089,270, C>G. VCF-style: chr17-40089270-C-G. GRCh37 (hg19) VCF-style: chr17-38245523-C-G.
Other names: c.1047C>G, p.Phe349Leu (NM_001190918.2, NM_001190919.2, NM_003250.6); short protein forms F349L.
Identifiers: ClinVar variation 1306004 (VCV001306004.2), dbSNP rs369536580, ClinGen allele CA399277170.